The following is an entry in ClinVar:

ClinVar aggregate classification (germline): Uncertain significance (1 of 4 stars; one submission).

Allele frequency attached by ClinVar (database versions not stated): gnomAD exomes 0.00001; TOPMed 0.00001; ExAC 0.00002.
gnomAD v4.1: 12 of 1,614,032 alleles (0.00074%); highest among the groups gnomAD compares: Middle Eastern, 0.016%; no homozygotes.

Submission:

Labcorp Genetics (formerly Invitae), Labcorp
Classification: Uncertain significance. Last evaluated: 2022-03-04. Review status: criteria provided, single submitter. Criteria: Invitae Variant Classification Sherloc (09022015). Collection method: clinical testing. Allele origin: germline.
Comment: This sequence change replaces arginine, which is basic and polar, with cysteine, which is neutral and slightly polar, at codon 2739 of the VPS13D protein (p.Arg2739Cys). This variant is present in population databases (rs775187699, gnomAD 0.003%). This variant has not been reported in the literature in individuals affected with VPS13D-related conditions. Algorithms developed to predict the effect of missense changes on protein structure and function are either unavailable or do not agree on the potential impact of this missense change (SIFT: "Deleterious"; PolyPhen-2: "Benign"; Align-GVGD: "Class C0"). In summary, the available evidence is currently insufficient to determine the role of this variant in disease. Therefore, it has been classified as a Variant of Uncertain Significance.

NM_015378.4(VPS13D):c.8215C>T (p.Arg2739Cys)

Gene: VPS13D (vacuolar protein sorting 13 homolog D; plus strand). Cytogenetic location: 1p36.22.
Variant type: single nucleotide variant.
Coding change: c.8215C>T on transcript NM_015378.4 (MANE Select); coding-DNA position 8215, C replaced by T.
Protein change: p.Arg2739Cys; replaces arginine 2739 with cysteine.
Molecular consequence: missense variant.
Genome position (GRCh38, 1-based): chr1:12,329,846, C>T. VCF-style: chr1-12329846-C-T. GRCh37 (hg19) VCF-style: chr1-12389903-C-T.
Other names: c.8215C>T, p.Arg2739Cys (NM_018156.4); short protein forms R2739C.
Identifiers: ClinVar variation 2417947 (VCV002417947.6), dbSNP rs775187699, ClinGen allele CA603056.
Genomic context (GRCh38, chr1:12,329,846, plus strand): 5'-TGCTCCTGCCCTGCCGCTGCAGTAAGGTTTGCTTTCATTGCAGGTCTGAATTTTCTTCAG[C>T]GTGTAAGAACTAGCCCTGAAGGCTATGCCCACTTCACCCTTTCTGGAGATTATTATAACC-3'
Protein context (NP_056193.2, residues 2729-2749): LTFSRLNFLQ[Arg2739Cys]VRTSPEGYAH